The following is an entry in ClinVar:

ClinVar aggregate classification (germline): Uncertain significance (1 of 4 stars; one submission).

Conditions:
Neuroblastoma, susceptibility to, 3. Also called: ALK-Related Neuroblastic Tumor Susceptibility. Identifiers: Orphanet 635, MedGen C2751681, MONDO:0013083, OMIM 613014.

Submission:

Labcorp Genetics (formerly Invitae), Labcorp
Classification: Uncertain significance for Neuroblastoma, susceptibility to, 3. Last evaluated: 2022-09-06. Review status: criteria provided, single submitter. Criteria: Invitae Variant Classification Sherloc (09022015). Collection method: clinical testing. Allele origin: germline.
Comment: In summary, the available evidence is currently insufficient to determine the role of this variant in disease. Therefore, it has been classified as a Variant of Uncertain Significance. This variant has not been reported in the literature in individuals affected with ALK-related conditions. This variant is not present in population databases (gnomAD no frequency). This sequence change creates a premature translational stop signal (p.His1247Thrfs*11) in the ALK gene. It is expected to result in an absent or disrupted protein product. However, the current clinical and genetic evidence is not sufficient to establish whether loss-of-function variants in ALK cause disease.

NM_004304.5(ALK):c.3739del (p.His1247fs)

Gene: ALK (ALK receptor tyrosine kinase; minus strand). Cytogenetic location: 2p23.2.
Variant type: Deletion.
Coding change: c.3739del on transcript NM_004304.5 (MANE Select); coding-DNA position 3739, one base deleted (C; older notation c.3739delC).
Protein change: p.His1247fs; shifts the reading frame from histidine 1247.
Molecular consequence: frameshift variant.
Genome position (GRCh38, 1-based): chr2:29,213,988, G deleted on the plus strand (C on the coding strand, the reverse complement: ALK is on the minus strand); the first of 2 consecutive G bases (chr2:29,213,988-29,213,989); deleting either gives the same sequence. VCF-style (leftmost placement, unchanged base first): chr2-29213987-TG-T. GRCh37 (hg19) VCF-style: chr2-29436853-TG-T.
Other names: c.535del, p.His179fs (NM_001353765.2); short protein forms H1247fs, H179fs.
Identifiers: ClinVar variation 2029147 (VCV002029147.4), dbSNP rs2465922493, ClinGen allele CA2580066314.